The following is an entry in ClinVar:

NM_001384140.1(PCDH15):c.3010-342T>C

Gene: PCDH15 (protocadherin related 15; minus strand). Cytogenetic location: 10q21.1.
Variant type: single nucleotide variant.
Coding change: c.3010-342T>C on transcript NM_001384140.1 (MANE Select); 342 bases into the intron before coding-DNA position 3010, T replaced by C.
Molecular consequence: intron variant.
Genome position (GRCh38, 1-based): chr10:53,960,186, A>G on the plus strand (T>C on the coding strand, the complement: PCDH15 is on the minus strand). VCF-style: chr10-53960186-A-G. GRCh37 (hg19) VCF-style: chr10-55719946-A-G.
Other names: c.3010-342T>C (NM_001354420.2, NM_001354429.2, NM_001142772.2 and 4 more transcripts); c.3025-342T>C (NM_001142771.2, NM_001142763.2); c.3031-342T>C (NM_001354411.2); c.3046-342T>C (NM_001142769.3); c.2944-342T>C (NM_001354404.2, NM_001142773.2, NM_001142768.2); c.2899-342T>C (NM_001142767.2); c.2797-342T>C (NM_001142765.2).
Identifiers: ClinVar variation 667955 (VCV000667955.1), dbSNP rs2446611, ClinGen allele CA207208758.

ClinVar aggregate classification (germline): Benign (1 of 4 stars; one submission).

Allele frequency attached by ClinVar (database versions not stated): 1000 Genomes Project 30x 0.74407; gnomAD 0.71350 and 0.71613; TOPMed 0.72703; 1000 Genomes Project 0.74900.
gnomAD v4.1: 108,782 of 151,672 alleles (72%); highest among the groups gnomAD compares: East Asian, 87%; 39,294 homozygotes.

Submission:

GeneDx
Classification: Benign. Last evaluated: 2018-06-14. Review status: criteria provided, single submitter. Criteria: GeneDx Variant Classification (06012015). Collection method: clinical testing. Allele origin: germline. Affected: yes.
Comment: This variant is considered likely benign or benign based on one or more of the following criteria: it is a conservative change, it occurs at a poorly conserved position in the protein, it is predicted to be benign by multiple in silico algorithms, and/or has population frequency not consistent with disease.